The following is an entry in ClinVar:

NM_004380.3(CREBBP):c.3924C>T (p.Cys1308=)

Gene: CREBBP (CREB binding lysine acetyltransferase; minus strand). Cytogenetic location: 16p13.3.
Variant type: single nucleotide variant.
Coding change: c.3924C>T on transcript NM_004380.3 (MANE Select); coding-DNA position 3924, C replaced by T.
Protein change: p.Cys1308=; no amino-acid change (cysteine 1308 retained).
Molecular consequence: synonymous variant.
Genome position (GRCh38, 1-based): chr16:3,744,952, G>A on the plus strand (C>T on the coding strand, the complement: CREBBP is on the minus strand). VCF-style: chr16-3744952-G-A. GRCh37 (hg19) VCF-style: chr16-3794953-G-A.
Other names: c.3924C>T (NM_004380.2); c.3810C>T, p.Cys1270= (NM_001079846.1).
Identifiers: ClinVar variation 2963899 (VCV002963899.6), dbSNP rs146817265, ClinGen allele CA7869660.

ClinVar aggregate classification (germline): Benign/Likely benign. Review status: criteria provided, multiple submitters, no conflicts (2 of 4 stars). 3 submissions from 3 submitters: Benign (1); Likely benign (1). 1 of the submissions does not count toward it. Last evaluated 2026-09-01.

Conditions:
Rubinstein-Taybi syndrome (RSTS). Identifiers: Orphanet 783, MedGen C0035934, MONDO:0019188.
CREBBP-related disorder. Also called: CREBBP-related disorders; CREBBP-related condition.

Allele frequency attached by ClinVar (database versions not stated): ExAC 0.00001; gnomAD exomes 0.00001; gnomAD 0.00002; TOPMed 0.00002; ESP Exome Variant Server 0.00008.
gnomAD v4.1: 17 of 1,612,770 alleles (0.0011%); highest among the groups gnomAD compares: Middle Eastern, 0.016%; no homozygotes.

Submissions (3):

CeGaT Center for Human Genetics Tuebingen
Classification: Likely benign. Last evaluated: 2026-09-01. Review status: criteria provided, single submitter. Criteria: CeGaT Center For Human Genetics Tuebingen Variant Classification Criteria Version 2. Collection method: clinical testing. Allele origin: germline. Affected: yes. Observed: 1 variant allele.
Comment: CREBBP: BP4, BP7

Labcorp Genetics (formerly Invitae), Labcorp
Classification: Benign for Rubinstein-Taybi syndrome. Last evaluated: 2023-11-08. Review status: criteria provided, single submitter. Criteria: Invitae Variant Classification Sherloc (09022015). Collection method: clinical testing. Allele origin: germline.

PreventionGenetics, part of Exact Sciences
Classification: Likely benign for CREBBP-related condition. Last evaluated: 2022-02-02. Review status: no assertion criteria provided. Collection method: clinical testing. Allele origin: germline. Not counted in ClinVar's aggregate classification.
Comment: This variant is classified as likely benign based on ACMG/AMP sequence variant interpretation guidelines (Richards et al. 2015 PMID: 25741868, with internal and published modifications).